The following is an entry in ClinVar:

NM_000465.4(BARD1):c.1607A>T (p.Asp536Val)

Gene: BARD1 (BRCA1 associated RING domain 1; minus strand). Cytogenetic location: 2q35.
Variant type: single nucleotide variant.
Coding change: c.1607A>T on transcript NM_000465.4 (MANE Select); coding-DNA position 1607, A replaced by T.
Protein change: p.Asp536Val; replaces aspartic acid 536 with valine.
Molecular consequence: missense variant. On other transcripts: non-coding transcript variant (3), intron variant (1).
Genome position (GRCh38, 1-based): chr2:214,752,517, T>A on the plus strand (A>T on the coding strand, the complement: BARD1 is on the minus strand). VCF-style: chr2-214752517-T-A. GRCh37 (hg19) VCF-style: chr2-215617241-T-A.
Other names: c.1550A>T, p.Asp517Val (NM_001282543.2); c.254A>T, p.Asp85Val (NM_001282545.2); c.197A>T, p.Asp66Val (NM_001282548.2); c.365-22009A>T (NM_001282549.2); short protein forms D536V, D517V, D85V, D66V.
Identifiers: ClinVar variation 576025 (VCV000576025.9), dbSNP rs1559394867, ClinGen allele CA350454892.

ClinVar aggregate classification (germline): Uncertain significance (1 of 4 stars; one submission).

Conditions:
Familial cancer of breast. Also called: hereditary breast carcinoma; BREAST CANCER, FAMILIAL; Hereditary breast cancer. Identifiers: Orphanet 227535, MedGen C0346153, MONDO:0016419, OMIM 114480. Disease mechanism: loss of function.

Submission:

Labcorp Genetics (formerly Invitae), Labcorp
Classification: Uncertain significance for Familial cancer of breast. Last evaluated: 2022-11-29. Review status: criteria provided, single submitter. Criteria: Invitae Variant Classification Sherloc (09022015). Collection method: clinical testing. Allele origin: germline.
Comment: In summary, the available evidence is currently insufficient to determine the role of this variant in disease. Therefore, it has been classified as a Variant of Uncertain Significance. Algorithms developed to predict the effect of missense changes on protein structure and function (SIFT, PolyPhen-2, Align-GVGD) all suggest that this variant is likely to be tolerated. ClinVar contains an entry for this variant (Variation ID: 576025). This variant has not been reported in the literature in individuals affected with BARD1-related conditions. This variant is not present in population databases (gnomAD no frequency). This sequence change replaces aspartic acid, which is acidic and polar, with valine, which is neutral and non-polar, at codon 536 of the BARD1 protein (p.Asp536Val).